The following is an entry in ClinVar:

NM_033380.3(COL4A5):c.1570G>T (p.Gly524Cys)

Gene: COL4A5 (collagen type IV alpha 5 chain; plus strand). Cytogenetic location: Xq22.3.
Variant type: single nucleotide variant.
Coding change: c.1570G>T on transcript NM_033380.3 (MANE Select); coding-DNA position 1570, G replaced by T.
Protein change: p.Gly524Cys; replaces glycine 524 with cysteine.
Molecular consequence: missense variant.
Genome position (GRCh38, 1-based): chrX:108,597,051, G>T. VCF-style: chrX-108597051-G-T. GRCh37 (hg19) VCF-style: chrX-107840281-G-T.
Other names: c.1570G>T, p.Gly524Cys (NM_000495.5); short protein forms G524C.
Identifiers: ClinVar variation 452626 (VCV000452626.4), dbSNP rs1170254952, ClinGen allele CA413845151.

ClinVar aggregate classification (germline): Pathogenic (1 of 4 stars; one submission).

Submission:

GeneDx
Classification: Pathogenic. Last evaluated: 2021-04-01. Review status: criteria provided, single submitter. Criteria: GeneDx Variant Classification Process June 2021. Collection method: clinical testing. Allele origin: germline. Affected: yes.
Comment: Affects a glycine residue in a Gly-X-Y motif in the triple helical region of the COL4A5 gene, where the majority of pathogenic missense variants occur, and is predicted to disrupt normal protein folding and function (Stenson et al., 2014; Jais et al., 2000); Not observed in large population cohorts (Lek et al., 2016); In silico analysis supports that this missense variant has a deleterious effect on protein structure/function; Has not been previously published as pathogenic or benign to our knowledge